The following is an entry in ClinVar:

ClinVar aggregate classification (germline): Uncertain significance (1 of 4 stars; one submission).

Conditions:
Aneurysm-osteoarthritis syndrome. Also called: ANEURYSMS-OSTEOARTHRITIS SYNDROME; SMAD3-Related Loeys-Dietz Syndrome; Loeys-Dietz syndrome, type 1C; LOEYS-DIETZ SYNDROME WITH OSTEOARTHRITIS. Identifiers: Orphanet 284984, MedGen C3151087, MONDO:0013426, OMIM 613795.

Submission:

Victorian Clinical Genetics Services, Murdoch Childrens Research Institute
Classification: Uncertain significance for Aneurysm-osteoarthritis syndrome. Last evaluated: 2021-05-06. Review status: criteria provided, single submitter. Criteria: ACMG Guidelines, 2015. Collection method: clinical testing. Allele origin: germline. Inheritance: Autosomal dominant inheritance. Affected: yes.
Comment: Based on the classification scheme VCGS_Germline_v1.3.4, this variant is classified as VUS-3C. Following criteria are met: 0103 - Loss of function is a known mechanism of disease in this gene and is associated with Loeys-Dietz syndrome 3 (MIM#613795). However, dominant negative is also a proposed mechanism of disease in this gene associated with missense variants in the MH2 domain (PMID: 30661052). (I) 0107 - This gene is associated with autosomal dominant disease. (I) 0200 - Variant is predicted to result in a missense amino acid change from tryptophan to cysteine. (I) 0219 - This variant is non-coding in an alternative transcript. This variant is non-coding in the ClinVar predominant transcript (NM_005902.3), which is also the most widely expressed transcript in all tissues (UCSC Genome Browser, GTEx Portal). (I) 0251 - This variant is heterozygous. (I) 0301 - Variant is absent from gnomAD (both v2 and v3). (SP) 0309 - An alternative amino acid change at the same position has been observed in gnomAD (v3) (p.(Trp21Arg): 1 heterozygote, 0 homozygotes). (I) 0502 - Missense variant with conflicting in silico predictions and uninformative conservation. (I) 0604 - Variant is not located in an established domain, motif, hotspot or informative constraint region. (I) 0705 - No comparable missense variants have previous evidence for pathogenicity. (I) 0807 - This variant has no previous evidence of pathogenicity. (I) 0905 - No published segregation evidence has been identified for this variant. (I) 1007 - No published functional evidence has been identified for this variant. (I) 1208 - Inheritance information for this variant is not currently available in this individual. (I) Legend: (SP) - Supporting pathogenic, (I) - Information, (SB) - Supporting benign

Literature cited by the submitters: PubMed 30661052.

NM_005902.4(SMAD3):c.207-26806G>T

Gene: SMAD3 (SMAD family member 3; plus strand). Cytogenetic location: 15q22.33.
Variant type: single nucleotide variant.
Coding change: c.207-26806G>T on transcript NM_005902.4 (MANE Select); 26806 bases into the intron before coding-DNA position 207, G replaced by T.
Molecular consequence: intron variant. On other transcripts: missense variant (1).
Genome position (GRCh38, 1-based): chr15:67,138,089, G>T. VCF-style: chr15-67138089-G-T. GRCh37 (hg19) VCF-style: chr15-67430427-G-T.
Other names: c.63G>T, p.Trp21Cys (NM_001145103.2); c.-543G>T (NM_001407016.1); c.-110+12105G>T (NM_001145102.2); short protein forms W21C.
Identifiers: ClinVar variation 1805020 (VCV001805020.1), dbSNP rs2505110933, ClinGen allele CA393204903.